The following is an entry in ClinVar:

ClinVar aggregate classification (germline): Uncertain significance (1 of 4 stars; one submission).

Conditions:
Hereditary cancer-predisposing syndrome. Also called: Tumor predisposition; Neoplastic Syndromes, Hereditary; Hereditary Cancer Syndrome; Hereditary neoplastic syndrome. Identifiers: Orphanet 140162, MedGen C0027672, MeSH D009386, MONDO:0015356.

gnomAD v4.1: 1 of 1,614,094 alleles (0.000062%); highest among the groups gnomAD compares: Non-Finnish European, 0.000085%; no homozygotes.

Submission:

Ambry Genetics
Classification: Uncertain significance for Hereditary cancer-predisposing syndrome. Last evaluated: 2024-08-30. Review status: criteria provided, single submitter. Criteria: Ambry Variant Classification Scheme 2023. Collection method: clinical testing. Allele origin: germline.
Comment: The p.C66R variant (also known as c.196T>C), located in coding exon 3 of the EPCAM gene, results from a T to C substitution at nucleotide position 196. The cysteine at codon 66 is replaced by arginine, an amino acid with highly dissimilar properties. This amino acid position is conserved. In addition, this alteration is predicted to be deleterious by in silico analysis. Based on the available evidence, the clinical significance of this variant remains unclear.

NM_002354.3(EPCAM):c.196T>C (p.Cys66Arg)

Gene: EPCAM (epithelial cell adhesion molecule; plus strand). Cytogenetic location: 2p21.
Variant type: single nucleotide variant.
Coding change: c.196T>C on transcript NM_002354.3 (MANE Select); coding-DNA position 196, T replaced by C.
Protein change: p.Cys66Arg; replaces cysteine 66 with arginine.
Molecular consequence: missense variant.
Genome position (GRCh38, 1-based): chr2:47,373,819, T>C. VCF-style: chr2-47373819-T-C. GRCh37 (hg19) VCF-style: chr2-47600958-T-C.
Other names: short protein forms C66R.
Identifiers: ClinVar variation 3509176 (VCV003509176.1).